The following is an entry in ClinVar:

NM_000135.4(FANCA):c.793-2A>C

Gene: FANCA (FA complementation group A; minus strand). Cytogenetic location: 16q24.3.
Variant type: single nucleotide variant.
Coding change: c.793-2A>C on transcript NM_000135.4 (MANE Select); the canonical splice acceptor site of the intron before coding-DNA position 793, A replaced by C.
Molecular consequence: splice acceptor variant.
Genome position (GRCh38, 1-based): chr16:89,799,640, T>G on the plus strand (A>C on the coding strand, the complement: FANCA is on the minus strand). VCF-style: chr16-89799640-T-G. GRCh37 (hg19) VCF-style: chr16-89866048-T-G.
Other names: c.793-2A>C (NM_001286167.3, NM_001018112.3); c.697-2A>C (NM_001351830.2).
Identifiers: ClinVar variation 974098 (VCV000974098.1), dbSNP rs2040372065, ClinGen allele CA397473720.

ClinVar aggregate classification (germline): Pathogenic (0 of 4 stars; one submission).

Conditions:
Fanconi anemia complementation group A (FANCA). Also called: Fanconi anemia, group A; FANCA-Related Fanconi Anemia. Identifiers: Orphanet 84, MedGen C3469521, MONDO:0009215, OMIM 227650.

Submission:

Leiden Open Variation Database
Classification: Pathogenic for Fanconi anemia complementation group A. Last evaluated: 2020-02-28. Review status: no assertion criteria provided. Collection method: curation. Allele origin: germline. Affected: yes.
Comment: Curator: Arleen D. Auerbach. Submitter to LOVD: Arleen D. Auerbach.